The following is an entry in ClinVar:

ClinVar aggregate classification (germline): Likely pathogenic (1 of 4 stars; one submission).

Conditions:
PKD1L1-related disorder. Also called: PKD1L1-related condition.

gnomAD v4.1: 7 of 1,610,366 alleles (0.00043%); highest among the groups gnomAD compares: Admixed American, 0.0017%; no homozygotes.

Submission:

PreventionGenetics, part of Exact Sciences
Classification: Likely pathogenic for PKD1L1-related condition. Last evaluated: 2025-10-29. Review status: criteria provided, single submitter. Criteria: ACMG Guidelines, 2015. Collection method: clinical testing. Allele origin: germline.
Comment: The PKD1L1 c.2326C>T variant is predicted to result in premature protein termination (p.Arg776*). To our knowledge, this variant has not been reported in the literature or in a large population database (gnomAD), indicating this variant is rare. Nonsense variants in PKD1L1 are expected to be pathogenic. This variant is interpreted as likely pathogenic.

NM_138295.5(PKD1L1):c.2326C>T (p.Arg776Ter)

Gene: PKD1L1 (polycystin 1 like 1, transient receptor potential channel interacting; minus strand). Cytogenetic location: 7p12.3.
Variant type: single nucleotide variant.
Coding change: c.2326C>T on transcript NM_138295.5 (MANE Select); coding-DNA position 2326, C replaced by T.
Protein change: p.Arg776Ter; replaces arginine 776 with a stop codon.
Molecular consequence: nonsense.
Genome position (GRCh38, 1-based): chr7:47,894,005, G>A on the plus strand (C>T on the coding strand, the complement: PKD1L1 is on the minus strand). VCF-style: chr7-47894005-G-A. GRCh37 (hg19) VCF-style: chr7-47933602-G-A.
Other names: short protein forms R776*.
Identifiers: ClinVar variation 4990789 (VCV004990789.1).